The following is an entry in ClinVar:

ClinVar aggregate classification (germline): Benign. Review status: criteria provided, multiple submitters, no conflicts (2 of 4 stars). 2 submissions from 2 submitters: Benign (2). Last evaluated 2018-06-16.

Allele frequency attached by ClinVar (database versions not stated): gnomAD 0.06812 and 0.07250; 1000 Genomes Project 0.07550; 1000 Genomes Project 30x 0.07700; TOPMed 0.07761.
gnomAD v4.1: 7,524 of 111,472 alleles (6.7%); highest among the groups gnomAD compares: African/African-American, 23%; 614 homozygotes.

Submissions (2):

GeneDx
Classification: Benign. Last evaluated: 2018-06-16. Review status: criteria provided, single submitter. Criteria: GeneDx Variant Classification (06012015). Collection method: clinical testing. Allele origin: germline. Affected: yes.
Comment: This variant is considered likely benign or benign based on one or more of the following criteria: it is a conservative change, it occurs at a poorly conserved position in the protein, it is predicted to be benign by multiple in silico algorithms, and/or has population frequency not consistent with disease.

Breakthrough Genomics
Classification: Benign. Review status: criteria provided, single submitter. Criteria: ACMG Guidelines, 2015. Collection method: not provided. Allele origin: germline. Inheritance: X-linked inheritance. Affected: yes.

NM_001079872.2(CUL4B):c.776+185G>A

Gene: CUL4B (cullin 4B; minus strand). Cytogenetic location: Xq24.
Variant type: single nucleotide variant.
Coding change: c.776+185G>A on transcript NM_001079872.2 (MANE Select); 185 bases into the intron after coding-DNA position 776, G replaced by A.
Molecular consequence: intron variant.
Genome position (GRCh38, 1-based): chrX:120,546,951, C>T on the plus strand (G>A on the coding strand, the complement: CUL4B is on the minus strand). VCF-style: chrX-120546951-C-T. GRCh37 (hg19) VCF-style: chrX-119680806-C-T.
Other names: c.830+185G>A (NM_003588.4); c.791+185G>A (NM_001330624.2); c.242+185G>A (NM_001369145.1).
Identifiers: ClinVar variation 677593 (VCV000677593.2), dbSNP rs6645657, ClinGen allele CA334126146.